The following is an entry in ClinVar:

ClinVar aggregate classification (germline): Likely benign. Review status: criteria provided, multiple submitters, no conflicts (2 of 4 stars). 3 submissions from 3 submitters: Likely benign (3). Last evaluated 2024-02-23.

Allele frequency attached by ClinVar (database versions not stated): ExAC 0.00002; gnomAD exomes 0.00002 and below 0.00001; 1000 Genomes Project 0.00020; 1000 Genomes Project 30x 0.00031; gnomAD below 0.00001 and 0.00001.
gnomAD v4.1: 10 of 1,614,082 alleles (0.00062%); highest among the groups gnomAD compares: South Asian, 0.0088%; no homozygotes.

Submissions (3):

Blueprint Genetics
Classification: Likely benign. Last evaluated: 2024-02-23. Review status: criteria provided, single submitter. Criteria: ACMG Guidelines, 2015. Collection method: clinical testing. Allele origin: germline.

Labcorp Genetics (formerly Invitae), Labcorp
Classification: Likely benign. Last evaluated: 2023-08-27. Review status: criteria provided, single submitter. Criteria: Invitae Variant Classification Sherloc (09022015). Collection method: clinical testing. Allele origin: germline.

GeneDx
Classification: Likely benign. Last evaluated: 2017-09-28. Review status: criteria provided, single submitter. Criteria: GeneDx Variant Classification (06012015). Collection method: clinical testing. Allele origin: germline. Affected: yes.
Comment: This variant is considered likely benign or benign based on one or more of the following criteria: it is a conservative change, it occurs at a poorly conserved position in the protein, it is predicted to be benign by multiple in silico algorithms, and/or has population frequency not consistent with disease.

NM_001844.5(COL2A1):c.310-17A>G

Gene: COL2A1 (collagen type II alpha 1 chain; minus strand). Cytogenetic location: 12q13.11.
Variant type: single nucleotide variant.
Coding change: c.310-17A>G on transcript NM_001844.5 (MANE Select); 17 bases into the intron before coding-DNA position 310, A replaced by G.
Molecular consequence: intron variant.
Genome position (GRCh38, 1-based): chr12:47,998,218, T>C on the plus strand (A>G on the coding strand, the complement: COL2A1 is on the minus strand). VCF-style: chr12-47998218-T-C. GRCh37 (hg19) VCF-style: chr12-48392001-T-C.
Other names: c.103-17A>G (NM_033150.3).
Identifiers: ClinVar variation 512364 (VCV000512364.7), dbSNP rs561118584, ClinGen allele CA6536022.
Genomic context (GRCh38, chr12:47,998,218, plus strand): 5'-TTTGCACTTACATCCTTGATGTCTCCAGGTTCTCCTTTCTGTCCCTGAAACATGAAACAT[T>C]CACAGGATTAAGCCGAGTAAGCCCACTAAGCCCCTAGTCTAAAACCCTGCCAGCAGCCCC-3'